The following is an entry in ClinVar:

ClinVar aggregate classification (germline): Uncertain significance (1 of 4 stars; one submission).

Allele frequency attached by ClinVar (database versions not stated): gnomAD exomes below 0.00001; gnomAD 0.00001; TOPMed 0.00002.
gnomAD v4.1: 7 of 1,611,896 alleles (0.00043%); highest among the groups gnomAD compares: Admixed American, 0.0033%; no homozygotes.

Submission:

Labcorp Genetics (formerly Invitae), Labcorp
Classification: Uncertain significance. Last evaluated: 2024-04-10. Review status: criteria provided, single submitter. Criteria: Invitae Variant Classification Sherloc (09022015). Collection method: clinical testing. Allele origin: germline.
Comment: This sequence change replaces serine, which is neutral and polar, with threonine, which is neutral and polar, at codon 172 of the WDR4 protein (p.Ser172Thr). This variant is not present in population databases (gnomAD no frequency). This variant has not been reported in the literature in individuals affected with WDR4-related conditions. ClinVar contains an entry for this variant (Variation ID: 2196852). Advanced modeling of protein sequence and biophysical properties (such as structural, functional, and spatial information, amino acid conservation, physicochemical variation, residue mobility, and thermodynamic stability) performed at Invitae indicates that this missense variant is not expected to disrupt WDR4 protein function with a negative predictive value of 80%. In summary, the available evidence is currently insufficient to determine the role of this variant in disease. Therefore, it has been classified as a Variant of Uncertain Significance.

NM_018669.6(WDR4):c.515G>C (p.Ser172Thr)

Gene: WDR4 (WDR4 tRNA N7-guanosine methyltransferase non-catalytic subunit; minus strand). Cytogenetic location: 21q22.3.
Variant type: single nucleotide variant.
Coding change: c.515G>C on transcript NM_018669.6 (MANE Select); coding-DNA position 515, G replaced by C.
Protein change: p.Ser172Thr; replaces serine 172 with threonine.
Molecular consequence: missense variant. On other transcripts: non-coding transcript variant (1).
Genome position (GRCh38, 1-based): chr21:42,862,333, C>G on the plus strand (G>C on the coding strand, the complement: WDR4 is on the minus strand). VCF-style: chr21-42862333-C-G. GRCh37 (hg19) VCF-style: chr21-44282443-C-G.
Other names: c.515G>C, p.Ser172Thr (NM_001260474.2, NM_033661.5); c.77G>C, p.Ser26Thr (NM_001260475.2, NM_001260476.2, NM_001260477.2 and 1 more transcripts); short protein forms S26T, S172T.
Identifiers: ClinVar variation 2196852 (VCV002196852.4), dbSNP rs1380440567, ClinGen allele CA410392475.